The following is an entry in ClinVar:

ClinVar aggregate classification (germline): Likely benign. Review status: criteria provided, multiple submitters, no conflicts (2 of 4 stars). 3 submissions from 3 submitters: Likely benign (3). Last evaluated 2025-04-17.

Allele frequency attached by ClinVar (database versions not stated): gnomAD 0.00001; gnomAD exomes 0.00001; ExAC 0.00002; TOPMed 0.00005; ESP Exome Variant Server 0.00008.
gnomAD v4.1: 18 of 1,614,154 alleles (0.0011%); highest among the groups gnomAD compares: Middle Eastern, 0.016%; 1 homozygote.

Submissions (3):

Women's Health and Genetics/Laboratory Corporation of America, LabCorp
Classification: Likely benign. Last evaluated: 2025-04-17. Review status: criteria provided, single submitter. Criteria: LabCorp Variant Classification Summary - May 2015. Collection method: clinical testing. Allele origin: germline.

Labcorp Genetics (formerly Invitae), Labcorp
Classification: Likely benign. Last evaluated: 2024-03-25. Review status: criteria provided, single submitter. Criteria: Invitae Variant Classification Sherloc (09022015). Collection method: clinical testing. Allele origin: germline.

CeGaT Center for Human Genetics Tuebingen
Classification: Likely benign. Last evaluated: 2023-06-01. Review status: criteria provided, single submitter. Criteria: CeGaT Center For Human Genetics Tuebingen Variant Classification Criteria Version 2. Collection method: clinical testing. Allele origin: germline. Affected: yes. Observed: 1 variant allele.
Comment: WDR62: BP4

NM_001083961.2(WDR62):c.3351C>T (p.Phe1117=)

Gene: WDR62 (WD repeat domain 62; plus strand). Cytogenetic location: 19q13.12.
Variant type: single nucleotide variant.
Coding change: c.3351C>T on transcript NM_001083961.2 (MANE Select); coding-DNA position 3351, C replaced by T.
Protein change: p.Phe1117=; no amino-acid change (phenylalanine 1117 retained).
Molecular consequence: synonymous variant.
Genome position (GRCh38, 1-based): chr19:36,102,963, C>T. VCF-style: chr19-36102963-C-T. GRCh37 (hg19) VCF-style: chr19-36593865-C-T.
Other names: c.3336C>T, p.Phe1112= (NM_001411145.1, NM_173636.5); c.3102C>T, p.Phe1034= (NM_001411146.1); c.3000C>T, p.Phe1000= (NM_001411147.1).
Identifiers: ClinVar variation 2649764 (VCV002649764.29), dbSNP rs149994724, ClinGen allele CA9396259.